The following is an entry in ClinVar:

ClinVar aggregate classification (germline): Uncertain significance (1 of 4 stars; one submission).

Conditions:
Neuropathy, hereditary sensory, type 1F. Also called: HSN IF; Hereditary sensory neuropathy type IF. Identifiers: Orphanet 36386, MedGen C3810194, MONDO:0014286, OMIM 615632.

Allele frequency attached by ClinVar (database versions not stated): gnomAD exomes below 0.00001; gnomAD 0.00001; TOPMed 0.00001.
gnomAD v4.1: 2 of 1,612,500 alleles (0.00012%); highest among the groups gnomAD compares: Non-Finnish European, 0.00017%; no homozygotes.

Submission:

Labcorp Genetics (formerly Invitae), Labcorp
Classification: Uncertain significance for Neuropathy, hereditary sensory, type 1F. Last evaluated: 2022-01-28. Review status: criteria provided, single submitter. Criteria: Invitae Variant Classification Sherloc (09022015). Collection method: clinical testing. Allele origin: germline.
Comment: In summary, the available evidence is currently insufficient to determine the role of this variant in disease. Therefore, it has been classified as a Variant of Uncertain Significance. Variants that disrupt the consensus splice site are a relatively common cause of aberrant splicing (PMID: 17576681, 9536098). Algorithms developed to predict the effect of sequence changes on RNA splicing suggest that this variant may disrupt the consensus splice site. This variant has not been reported in the literature in individuals affected with ATL3-related conditions. This variant is not present in population databases (gnomAD no frequency). This sequence change affects codon 326 of the ATL3 mRNA. It is a 'silent' change, meaning that it does not change the encoded amino acid sequence of the ATL3 protein. This variant also falls at the last nucleotide of exon 9, which is part of the consensus splice site for this exon.

Literature cited by the submitters: PubMed 17576681; PubMed 9536098.

NM_015459.5(ATL3):c.978G>A (p.Lys326=)

Genes: ATL3 (atlastin GTPase 3; minus strand), LNCROPM (lncRNA regulator of PLAAT3 mediated phospholipid metabolism; plus strand). Cytogenetic location: 11q13.1.
Variant type: single nucleotide variant.
Coding change: c.978G>A on transcript NM_015459.5 (MANE Select); coding-DNA position 978, G replaced by A.
Protein change: p.Lys326=; no amino-acid change (lysine 326 retained).
Molecular consequence: synonymous variant.
Genome position (GRCh38, 1-based): chr11:63,636,207, C>T on the plus strand (G>A on the coding strand, the complement: ATL3 is on the minus strand). VCF-style: chr11-63636207-C-T. GRCh37 (hg19) VCF-style: chr11-63403679-C-T.
Other names: c.924G>A, p.Lys308= (NM_001290048.2).
Identifiers: ClinVar variation 2090727 (VCV002090727.4), dbSNP rs1939509754, ClinGen allele CA474902807.
Genomic context (GRCh38, chr11:63,636,207, plus strand): 5'-TACGAGTGAGATCAGCTTTACCAAAAATCAAACATTTTAATAACTAAAACCCATATTTAC[C>T]TTAAAATACTCCAGTAGTCCCCGACAGGTGACCTTTGAGCCATTGATCTCCTTTTCCATT-3'
Protein context (NP_056274.3, residues 316-336): VTCRGLLEYF[Lys326=]AYIKIYQGED